The following is an entry in ClinVar:

ClinVar aggregate classification (germline): Benign/Likely benign. Review status: criteria provided, multiple submitters, no conflicts (2 of 4 stars). 4 submissions from 4 submitters: Benign (1); Likely benign (2). 1 of the submissions does not count toward it. Last evaluated 2026-02-01.

Conditions:
PAM16-related disorder. Also called: PAM16-related condition.

Allele frequency attached by ClinVar (database versions not stated): 1000 Genomes Project 30x 0.00094; 1000 Genomes Project 0.00100; ExAC 0.00362; TOPMed 0.00387; gnomAD exomes 0.00390; gnomAD 0.00415 and 0.00442; ESP Exome Variant Server 0.00454.
gnomAD v4.1: 8,997 of 1,612,938 alleles (0.56%); highest among the groups gnomAD compares: Non-Finnish European, 0.67%; 36 homozygotes.

Submissions (4):

Labcorp Genetics (formerly Invitae), Labcorp
Classification: Benign. Last evaluated: 2026-02-01. Review status: criteria provided, single submitter. Criteria: Invitae Variant Classification Sherloc (09022015). Collection method: clinical testing. Allele origin: germline.

Blueprint Genetics
Classification: Likely benign. Last evaluated: 2024-11-26. Review status: criteria provided, single submitter. Criteria: ACMG Guidelines, 2015. Collection method: clinical testing. Allele origin: germline.

CeGaT Center for Human Genetics Tuebingen
Classification: Likely benign. Last evaluated: 2024-11-01. Review status: criteria provided, single submitter. Criteria: CeGaT Center For Human Genetics Tuebingen Variant Classification Criteria Version 2. Collection method: clinical testing. Allele origin: germline. Affected: yes. Observed: 1 variant allele.
Comment: PAM16: BP4, BS2

PreventionGenetics, part of Exact Sciences
Classification: Benign for PAM16-related condition. Last evaluated: 2019-08-09. Review status: no assertion criteria provided. Collection method: clinical testing. Allele origin: germline. Not counted in ClinVar's aggregate classification.
Comment: This variant is classified as benign based on ACMG/AMP sequence variant interpretation guidelines (Richards et al. 2015 PMID: 25741868, with internal and published modifications).

NM_016069.11(PAM16):c.291+7G>T

Genes: CORO7-PAM16 (CORO7-PAM16 readthrough; minus strand), PAM16 (presequence translocase associated motor 16; minus strand). Cytogenetic location: 16p13.3.
Variant type: single nucleotide variant.
Coding change: c.291+7G>T on transcript NM_016069.11 (MANE Select); 7 bases into the intron after coding-DNA position 291, G replaced by T.
Molecular consequence: intron variant.
Genome position (GRCh38, 1-based): chr16:4,340,913, C>A on the plus strand (G>T on the coding strand, the complement: PAM16 is on the minus strand). VCF-style: chr16-4340913-C-A. GRCh37 (hg19) VCF-style: chr16-4390914-C-A.
Other names: c.3060+7G>T (NM_001201479.2).
Identifiers: ClinVar variation 789224 (VCV000789224.28), dbSNP rs142976385, ClinGen allele CA7873393.